The following is an entry in ClinVar:

ClinVar aggregate classification (germline): Uncertain significance. Review status: criteria provided, multiple submitters, no conflicts (2 of 4 stars). 2 submissions from 2 submitters: Uncertain significance (2). Last evaluated 2025-06-12.

Conditions:
Intellectual disability, autosomal recessive 42 (NEDDSBA). Also called: GLYCOSYLPHOSPHATIDYLINOSITOL BIOSYNTHESIS DEFECT 9; Neurodevelopmental disorder with dysmorphic features, spasticity, and brain abnormalities. Identifiers: Orphanet 88616, MedGen C4014343, MONDO:0014348, OMIM 615802.
Inborn genetic diseases. Identifiers: MedGen C0950123, MeSH D030342.

Allele frequency attached by ClinVar (database versions not stated): ExAC 0.00003; 1000 Genomes Project 0.00040; gnomAD exomes 0.00002; gnomAD 0.00009; 1000 Genomes Project 30x 0.00047; TOPMed 0.00014.
gnomAD v4.1: 39 of 1,608,078 alleles (0.0024%); highest among the groups gnomAD compares: African/African-American, 0.02%; no homozygotes.

Submissions (2):

Ambry Genetics
Classification: Uncertain significance for Inborn genetic diseases. Last evaluated: 2025-06-12. Review status: criteria provided, single submitter. Criteria: Ambry Variant Classification Scheme 2023. Collection method: clinical testing. Allele origin: germline.

Labcorp Genetics (formerly Invitae), Labcorp
Classification: Uncertain significance for Intellectual disability, autosomal recessive 42. Last evaluated: 2025-05-01. Review status: criteria provided, single submitter. Criteria: Invitae Variant Classification Sherloc (09022015). Collection method: clinical testing. Allele origin: germline.
Comment: This sequence change replaces arginine, which is basic and polar, with cysteine, which is neutral and slightly polar, at codon 803 of the PGAP1 protein (p.Arg803Cys). This variant is present in population databases (rs556240126, gnomAD 0.03%). This variant has not been reported in the literature in individuals affected with PGAP1-related conditions. ClinVar contains an entry for this variant (Variation ID: 2456338). An algorithm developed to predict the effect of missense changes on protein structure and function outputs the following: PolyPhen-2: "Benign". The cysteine amino acid residue is found in multiple mammalian species, which suggests that this missense change does not adversely affect protein function. In summary, the available evidence is currently insufficient to determine the role of this variant in disease. Therefore, it has been classified as a Variant of Uncertain Significance.

NM_024989.4(PGAP1):c.2407C>T (p.Arg803Cys)

Gene: PGAP1 (post-GPI attachment to proteins inositol deacylase 1; minus strand). Cytogenetic location: 2q33.1.
Variant type: single nucleotide variant.
Coding change: c.2407C>T on transcript NM_024989.4 (MANE Select); coding-DNA position 2407, C replaced by T.
Protein change: p.Arg803Cys; replaces arginine 803 with cysteine.
Molecular consequence: missense variant.
Genome position (GRCh38, 1-based): chr2:196,844,006, G>A on the plus strand (C>T on the coding strand, the complement: PGAP1 is on the minus strand). VCF-style: chr2-196844006-G-A. GRCh37 (hg19) VCF-style: chr2-197708730-G-A.
Other names: c.1885C>T, p.Arg629Cys (NM_001321099.2); c.1240C>T, p.Arg414Cys (NM_001321100.2); short protein forms R414C, R629C, R803C.
Identifiers: ClinVar variation 2456338 (VCV002456338.5), dbSNP rs556240126, ClinGen allele CA2040633.